The following is an entry in ClinVar:

ClinVar aggregate classification (germline): Conflicting classifications of pathogenicity. Review status: criteria provided, conflicting classifications (1 of 4 stars). 2 submissions from 2 submitters: Likely pathogenic (1); Uncertain significance (1). Last evaluated 2026-07-22.

Conditions:
Ovarian cancer. Also called: OVARIAN CANCER, SOMATIC. Identifiers: Orphanet 213500, MedGen C1140680, MONDO:0008170, OMIM 167000.
Hereditary cancer-predisposing syndrome. Also called: Hereditary Cancer Syndrome; Hereditary neoplastic syndrome; Neoplastic Syndromes, Hereditary; Tumor predisposition. Identifiers: Orphanet 140162, MedGen C0027672, MeSH D009386, MONDO:0015356.

Submissions (2):

Ambry Genetics
Classification: Uncertain significance for Hereditary cancer-predisposing syndrome. Last evaluated: 2026-07-22. Review status: criteria provided, single submitter. Criteria: Ambry Variant Classification Scheme 2023. Collection method: clinical testing. Allele origin: germline.
Comment: The p.G2677R variant (also known as c.8029G>C), located in coding exon 15 of the APC gene, results from a G to C substitution at nucleotide position 8029. The glycine at codon 2677 is replaced by arginine, an amino acid with dissimilar properties. This amino acid position is well conserved in available vertebrate species. Missense variants in APC are not a common cause of disease (Spier I et al. Genet Med. 2024 Feb;26(2):100992). Based on the available evidence, the clinical significance of this variant remains unclear.

Laboratory of Molecular Epidemiology of Birth Defects, West China Second University Hospital, Sichuan University
Classification: Likely pathogenic for Ovarian cancer. Last evaluated: 2022-01-01. Review status: criteria provided, single submitter. Criteria: ACMG Guidelines, 2015. Collection method: clinical testing. Allele origin: germline. Affected: yes.

NM_000038.6(APC):c.8029G>C (p.Gly2677Arg)

Gene: APC (APC regulator of Wnt signaling pathway; plus strand). Cytogenetic location: 5q22.2.
Variant type: single nucleotide variant.
Coding change: c.8029G>C on transcript NM_000038.6 (MANE Select); coding-DNA position 8029, G replaced by C.
Protein change: p.Gly2677Arg; replaces glycine 2677 with arginine.
Molecular consequence: missense variant.
Genome position (GRCh38, 1-based): chr5:112,843,623, G>C. VCF-style: chr5-112843623-G-C. GRCh37 (hg19) VCF-style: chr5-112179320-G-C.
Other names: c.8029G>C, p.Gly2677Arg (NM_001354895.2, NM_001127510.3, NM_001407450.1); c.8083G>C, p.Gly2695Arg (NM_001354896.2, NM_001407447.1, NM_001407448.1 and 1 more transcripts); c.8059G>C, p.Gly2687Arg (NM_001354897.2); c.7954G>C, p.Gly2652Arg (NM_001354898.2); c.7945G>C, p.Gly2649Arg (NM_001354899.2); c.7906G>C, p.Gly2636Arg (NM_001354900.2); c.7852G>C, p.Gly2618Arg (NM_001354901.2, NM_001407453.1); c.7756G>C, p.Gly2586Arg (NM_001354902.2); and 11 more; short protein forms G2293R, G2394R, G2517R, G2548R, G2551R, G2576R, G2586R, G2594R.
Identifiers: ClinVar variation 2445331 (VCV002445331.3), dbSNP rs750174880, ClinGen allele CA16038768.